The following is an entry in ClinVar:

NM_020831.6(MRTFA):c.372C>G (p.Asp124Glu)

Gene: MRTFA (myocardin related transcription factor A; minus strand). Cytogenetic location: 22q13.1.
Variant type: single nucleotide variant.
Coding change: c.372C>G on transcript NM_020831.6 (MANE Select); coding-DNA position 372, C replaced by G.
Protein change: p.Asp124Glu; replaces aspartic acid 124 with glutamic acid.
Molecular consequence: missense variant.
Genome position (GRCh38, 1-based): chr22:40,431,472, G>C on the plus strand (C>G on the coding strand, the complement: MRTFA is on the minus strand). VCF-style: chr22-40431472-G-C. GRCh37 (hg19) VCF-style: chr22-40827476-G-C.
Other names: c.177C>G, p.Asp59Glu (NM_001318139.2); c.72C>G, p.Asp24Glu (NM_001282660.2); c.372C>G, p.Asp124Glu (NM_001282661.3, NM_001282662.3); short protein forms D124E, D59E, D24E.
Identifiers: ClinVar variation 3639606 (VCV003639606.2).
Genomic context (GRCh38, chr22:40,431,472, plus strand): 5'-AATGTGCATCCTGACCAGCTCCGATCTCTCCGGCCGGGAACGAATCTTCCGTTTGAGATA[G>C]TCCTCTGTCTACAGAAAAAACACACCAAGAAACTCTCAAATCCAGGTCACAGGCTTATGG-3'
Protein context (NP_065882.2, residues 114-134): RRSLERARTE[Asp124Glu]YLKRKIRSRP

ClinVar aggregate classification (germline): Uncertain significance (1 of 4 stars; one submission).

gnomAD v4.1: 1 of 1,613,968 alleles (0.000062%); highest among the groups gnomAD compares: Non-Finnish European, 0.000085%; no homozygotes.

Submission:

Labcorp Genetics (formerly Invitae), Labcorp
Classification: Uncertain significance. Last evaluated: 2024-10-07. Review status: criteria provided, single submitter. Criteria: Invitae Variant Classification Sherloc (09022015). Collection method: clinical testing. Allele origin: germline.
Comment: This sequence change replaces aspartic acid, which is acidic and polar, with glutamic acid, which is acidic and polar, at codon 24 of the MKL1 protein (p.Asp24Glu). This variant is not present in population databases (gnomAD no frequency). This variant has not been reported in the literature in individuals affected with MKL1-related conditions. An algorithm developed to predict the effect of missense changes on protein structure and function (PolyPhen-2) suggests that this variant is likely to be tolerated. In summary, the available evidence is currently insufficient to determine the role of this variant in disease. Therefore, it has been classified as a Variant of Uncertain Significance.